The following is an entry in ClinVar:

NM_012431.3(SEMA3E):c.553A>G (p.Ser185Gly)

Gene: SEMA3E (semaphorin 3E; minus strand). Cytogenetic location: 7q21.11.
Variant type: single nucleotide variant.
Coding change: c.553A>G on transcript NM_012431.3 (MANE Select); coding-DNA position 553, A replaced by G.
Protein change: p.Ser185Gly; replaces serine 185 with glycine.
Molecular consequence: missense variant.
Genome position (GRCh38, 1-based): chr7:83,408,485, T>C on the plus strand (A>G on the coding strand, the complement: SEMA3E is on the minus strand). VCF-style: chr7-83408485-T-C. GRCh37 (hg19) VCF-style: chr7-83037801-T-C.
Other names: c.373A>G, p.Ser125Gly (NM_001178129.2); short protein forms S125G, S185G.
Identifiers: ClinVar variation 3013680 (VCV003013680.3), dbSNP rs2484323626, ClinGen allele CA367932208.

ClinVar aggregate classification (germline): Uncertain significance (1 of 4 stars; one submission).

Conditions:
CHARGE syndrome (CHARGE). Also called: Hittner Hirsch Kreh syndrome; CHARGE ASSOCIATION--COLOBOMA, HEART ANOMALY, CHOANAL ATRESIA, RETARDATION, GENITAL AND EAR ANOMALIES; Coloboma, heart anomaly, choanal atresia, retardation, genital and ear anomalies; CHARGE association; Hall-Hittner syndrome. Identifiers: Orphanet 138, MedGen C0265354, MONDO:0008965.

Allele frequency attached by ClinVar (database versions not stated): gnomAD exomes below 0.00001.
gnomAD v4.1: 4 of 1,613,626 alleles (0.00025%); highest among the groups gnomAD compares: Non-Finnish European, 0.00034%; no homozygotes.

Submission:

Labcorp Genetics (formerly Invitae), Labcorp
Classification: Uncertain significance for CHARGE syndrome. Last evaluated: 2023-02-01. Review status: criteria provided, single submitter. Criteria: Invitae Variant Classification Sherloc (09022015). Collection method: clinical testing. Allele origin: germline.
Comment: This sequence change replaces serine, which is neutral and polar, with glycine, which is neutral and non-polar, at codon 185 of the SEMA3E protein (p.Ser185Gly). This variant is not present in population databases (gnomAD no frequency). This variant has not been reported in the literature in individuals affected with SEMA3E-related conditions. Algorithms developed to predict the effect of missense changes on protein structure and function output the following: SIFT: "Tolerated"; PolyPhen-2: "Benign"; Align-GVGD: "Class C0". The glycine amino acid residue is found in multiple mammalian species, which suggests that this missense change does not adversely affect protein function. In summary, the available evidence is currently insufficient to determine the role of this variant in disease. Therefore, it has been classified as a Variant of Uncertain Significance.